The following is an entry in ClinVar:

NM_001042492.3(NF1):c.7990A>G (p.Lys2664Glu)

Gene: NF1 (neurofibromin 1; plus strand). Cytogenetic location: 17q11.2.
Variant type: single nucleotide variant.
Coding change: c.7990A>G on transcript NM_001042492.3 (MANE Select); coding-DNA position 7990, A replaced by G.
Protein change: p.Lys2664Glu; replaces lysine 2664 with glutamic acid.
Molecular consequence: missense variant.
Genome position (GRCh38, 1-based): chr17:31,358,499, A>G. VCF-style: chr17-31358499-A-G. GRCh37 (hg19) VCF-style: chr17-29685517-A-G.
Other names: c.7927A>G, p.Lys2643Glu (NM_000267.4); short protein forms K2643E, K2664E.
Identifiers: ClinVar variation 2731979 (VCV002731979.4), dbSNP rs2151584831, ClinGen allele CA399203625.
Genomic context (GRCh38, chr17:31,358,499, plus strand): 5'-TCCTCTAAAATGTTCCTCTGTTGACTTTTTTTTTCTTTTAGGCATAATTTGTTGGACTCT[A>G]AGATCAACACCCTGTTATCATTGTGCCAAGATCCAAATTTGTTAAATCCAATCCATGGAA-3'
Protein context (NP_001035957.1, residues 2654-2674): FPVVHNLLDS[Lys2664Glu]INTLLSLCQD

ClinVar aggregate classification (germline): Uncertain significance. Review status: criteria provided, multiple submitters, no conflicts (2 of 4 stars). 2 submissions from 2 submitters: Uncertain significance (2). Last evaluated 2024-07-17.

Conditions:
Neurofibromatosis, type 1 (NF1). Also called: Neurofibromatosis, type I; NEUROFIBROMATOSIS, TYPE I, SOMATIC; Peripheral type neurofibromatosis; VON RECKLINGHAUSEN DISEASE. Identifiers: Orphanet 636, MedGen C0027831, MONDO:0018975, OMIM 162200. Disease mechanism: loss of function.

Submissions (2):

Quest Diagnostics Nichols Institute San Juan Capistrano
Classification: Uncertain significance. Last evaluated: 2024-07-17. Review status: criteria provided, single submitter. Criteria: Quest Diagnostics criteria. Collection method: clinical testing. Allele origin: unknown.

Labcorp Genetics (formerly Invitae), Labcorp
Classification: Uncertain significance for Neurofibromatosis, type 1. Last evaluated: 2023-09-17. Review status: criteria provided, single submitter. Criteria: Invitae Variant Classification Sherloc (09022015). Collection method: clinical testing. Allele origin: germline.
Comment: In summary, the available evidence is currently insufficient to determine the role of this variant in disease. Therefore, it has been classified as a Variant of Uncertain Significance. Advanced modeling of protein sequence and biophysical properties (such as structural, functional, and spatial information, amino acid conservation, physicochemical variation, residue mobility, and thermodynamic stability) performed at Invitae indicates that this missense variant is expected to disrupt NF1 protein function. This variant has not been reported in the literature in individuals affected with NF1-related conditions. This variant is not present in population databases (gnomAD no frequency). This sequence change replaces lysine, which is basic and polar, with glutamic acid, which is acidic and polar, at codon 2643 of the NF1 protein (p.Lys2643Glu).